The following is an entry in ClinVar:

NM_144670.6(A2ML1):c.2677C>T (p.Arg893Ter)

Gene: A2ML1 (alpha-2-macroglobulin like 1; plus strand). Cytogenetic location: 12p13.31.
Variant type: single nucleotide variant.
Coding change: c.2677C>T on transcript NM_144670.6 (MANE Select); coding-DNA position 2677, C replaced by T.
Protein change: p.Arg893Ter; replaces arginine 893 with a stop codon.
Molecular consequence: nonsense.
Genome position (GRCh38, 1-based): chr12:8,854,214, C>T. VCF-style: chr12-8854214-C-T. GRCh37 (hg19) VCF-style: chr12-9006810-C-T.
Other names: c.1204C>T, p.Arg402Ter (NM_001282424.3); short protein forms R893*, R402*.
Identifiers: ClinVar variation 217310 (VCV000217310.16), dbSNP rs199651558, ClinGen allele CA214815.
Genomic context (GRCh38, chr12:8,854,214, plus strand): 5'-AAGATTCTGGACAGCAATGAACCATGTGGGGGCCAGAAGGGGTTTGTTCCCCAAAAGGGC[C>T]GAAGTGACACGCTCATCAAGCCAGTTCTCGTCAAAGTGAGTTTTCTTCAGAGGTAGAGAC-3'

ClinVar aggregate classification (germline): Conflicting classifications of pathogenicity. Review status: criteria provided, conflicting classifications (1 of 4 stars). 5 submissions from 5 submitters: Uncertain significance (3); Likely benign (1). 1 of the submissions does not count toward it. Last evaluated 2026-04-27.

Conditions:
Nonsyndromic otitis media. Identifiers: MedGen CN233179.
Otitis media, susceptibility to (OMS). Also called: COME/ROM; OTITIS MEDIA, CHRONIC/RECURRENT. Identifiers: MedGen C1833692, MONDO:0008162, OMIM 166760.

Allele frequency attached by ClinVar (database versions not stated): ExAC 0.00016; gnomAD 0.00009; ESP Exome Variant Server 0.00008; TOPMed 0.00010; 1000 Genomes Project 30x 0.00016; 1000 Genomes Project 0.00020.
gnomAD v4.1: 214 of 1,608,412 alleles (0.013%); highest among the groups gnomAD compares: Middle Eastern, 0.067%; no homozygotes.

Submissions (5):

Dasa
Classification: Uncertain significance. Last evaluated: 2026-04-27. Review status: criteria provided, single submitter. Criteria: DASA Assertion Criteria. Collection method: clinical testing. Allele origin: germline.
Comment: NM_144670.6(A2ML1):c.2677C>T (p.Arg893*) is a nonsense variant in A2ML1 predicted to introduce a premature termination codon. This variant is rare in population databases. The currently available literature and clinical evidence are not sufficient to establish a definitive association between this variant and the reported condition. Therefore, this variant is classified as a variant of uncertain significance.

Labcorp Genetics (formerly Invitae), Labcorp
Classification: Uncertain significance. Last evaluated: 2025-12-08. Review status: criteria provided, single submitter. Criteria: Invitae Variant Classification Sherloc (09022015). Collection method: clinical testing. Allele origin: germline.
Comment: This sequence change creates a premature translational stop signal (p.Arg893*) in the A2ML1 gene. It is expected to result in an absent or disrupted protein product. However, the current clinical and genetic evidence is not sufficient to establish whether loss-of-function variants in A2ML1 cause disease. This variant is present in population databases (rs199651558, gnomAD 0.02%). This premature translational stop signal has been observed in individual(s) with otitis-prone (PMID: 26121085). ClinVar contains an entry for this variant (Variation ID: 217310). Algorithms developed to predict the effect of sequence changes on RNA splicing suggest that this variant may disrupt the consensus splice site. In summary, the available evidence is currently insufficient to determine the role of this variant in disease. Therefore, it has been classified as a Variant of Uncertain Significance.

Women's Health and Genetics/Laboratory Corporation of America, LabCorp
Classification: Likely benign. Last evaluated: 2022-10-31. Review status: criteria provided, single submitter. Criteria: LabCorp Variant Classification Summary - May 2015. Collection method: clinical testing. Allele origin: germline.
Comment: Variant summary: A2ML1 c.2677C>T (p.Arg893X) results in a premature termination codon, predicted to cause a truncation of the encoded protein or absence of the protein due to nonsense mediated decay, which are not commonly known mechanisms for Noonan Syndrome and Related Conditions in the A2ML1 gene. Truncations in A2ML1 have been classified as benign by our laboratory for Noonan Syndrome and Related Conditions (e.g. c.1444_1445delAG (p.Ser482ProfsX2), c.3676_3677delGC (p.Ala1226GlnfsX34), c.4261C>T (p.Gln1421X)). The variant allele was found at a frequency of 0.00012 in 278180 control chromosomes (gnomAD). The observed variant frequency is approximately 30-fold of the estimated maximal expected allele frequency for a pathogenic variant in A2ML1 causing Noonan Syndrome phenotype (4e-06), suggesting that the variant is benign. The variant, c.2677C>T, has been reported in the literature in individuals affected with otitis media and hypertension (Santos-Cortez_2015, Surendran_2016), however, to our knowledge, no occurrence in individuals affected with Noonan Syndrome has been reported and no experimental evidence demonstrating its impact on protein function have been reported. Two clinical diagnostic laboratories have submitted clinical-significance assessments for this variant to ClinVar after 2014 without evidence for independent evaluation, and both classified the variant as uncertain significance. Based on the evidence outlined above, although the variant might be associated with an elevated risk for otitis media (or other disease phenotypes), however it is unlikely to be associated with Noonan Syndrome, therefore the variant was classified as likely benign.

Genomic Research Center, Shahid Beheshti University of Medical Sciences
Classification: Uncertain significance for Otitis media, susceptibility to. Last evaluated: 2018-08-07. Review status: criteria provided, single submitter. Criteria: ACMG Guidelines, 2015. Collection method: clinical testing. Allele origin: inherited. Affected: no. Observed: 1 variant allele.

Department of Molecular and Human Genetics, Baylor College of Medicine
Classification: Uncertain significance for Nonsyndromic otitis media. Last evaluated: 2014-05-28. Review status: no assertion criteria provided. Collection method: research. Allele origin: germline. Affected: yes. Not counted in ClinVar's aggregate classification.

Literature cited by the submitters: PubMed 26121085 (cited by 3 submitters); PubMed 31009165 (cited by Women's Health and Genetics/Laboratory Corporation of America, LabCorp); PubMed 34426522 (cited by Women's Health and Genetics/Laboratory Corporation of America, LabCorp); PubMed 27618447 (cited by Women's Health and Genetics/Laboratory Corporation of America, LabCorp); PubMed 24824130 (cited by Department of Molecular and Human Genetics, Baylor College of Medicine).